The following is an entry in ClinVar:

ClinVar aggregate classification (germline): Conflicting classifications of pathogenicity. Review status: criteria provided, conflicting classifications (1 of 4 stars). 9 submissions from 8 submitters: Uncertain significance (1); Benign (1); Likely benign (7). Last evaluated 2026-01-21.

Conditions:
TSC1-related disorder. Also called: TSC1-related condition.
Hereditary cancer-predisposing syndrome. Also called: Tumor predisposition; Hereditary neoplastic syndrome; Neoplastic Syndromes, Hereditary; Hereditary Cancer Syndrome. Identifiers: Orphanet 140162, MedGen C0027672, MeSH D009386, MONDO:0015356.
Tuberous sclerosis syndrome (TSC). Also called: Tuberous Sclerosis Complex; Tuberous sclerosis. Identifiers: Orphanet 805, MedGen C0041341, MONDO:0001734.
Isolated focal cortical dysplasia type II (FCORD2). Also called: CORTICAL DYSPLASIA OF TAYLOR; Focal cortical dysplasia type II. Identifiers: Orphanet 268994, MedGen C1846385, MONDO:0011818, OMIM 607341, HP:0032051.
Tuberous sclerosis 1 (TSC1). Identifiers: Orphanet 805, MedGen C1854465, MONDO:0008612, OMIM 191100.

Allele frequency attached by ClinVar (database versions not stated): gnomAD 0.00001; gnomAD exomes 0.00001; ExAC 0.00002; TOPMed 0.00003.
gnomAD v4.1: 18 of 1,613,874 alleles (0.0011%); highest among the groups gnomAD compares: African/African-American, 0.0027%; no homozygotes.

Submissions (9):

Labcorp Genetics (formerly Invitae), Labcorp
Classification: Likely benign for Tuberous sclerosis 1. Last evaluated: 2026-01-21. Review status: criteria provided, single submitter. Criteria: Invitae Variant Classification Sherloc (09022015). Collection method: clinical testing. Allele origin: germline.

PreventionGenetics, part of Exact Sciences
Classification: Likely benign for TSC1-related condition. Last evaluated: 2025-04-09. Review status: criteria provided, single submitter. Criteria: ACMG Guidelines, 2015. Collection method: clinical testing. Allele origin: germline.
Comment: This variant is classified as likely benign based on ACMG/AMP sequence variant interpretation guidelines (Richards et al. 2015 PMID: 25741868, with internal and published modifications).

Myriad Genetics, Inc.
Classification: Benign for Tuberous sclerosis 1. Last evaluated: 2025-04-07. Review status: criteria provided, single submitter. Criteria: Myriad Autosomal Dominant, Autosomal Recessive and X-Linked Classification Criteria (2023). Collection method: clinical testing. Allele origin: unknown.
Comment: This variant is considered benign. This variant is a silent/synonymous amino acid change and it is not expected to impact splicing.

All of Us Research Program, National Institutes of Health
Classification: Likely benign for Tuberous sclerosis syndrome. Last evaluated: 2024-02-05. Review status: criteria provided, single submitter. Criteria: ACMG Guidelines, 2015. Collection method: clinical testing. Allele origin: germline. Inheritance: Autosomal dominant inheritance. Observed: 4 variant alleles, 4 heterozygotes.
Comment: This study involves interpretation of variants in research participants for the purpose of population health screening. Participant phenotype was not available at the time of variant classification. Additional details can be found in publication PMID: 35346344, PMCID: PMC8962531

Genome-Nilou Lab
Classification: Likely benign for Tuberous sclerosis 1. Last evaluated: 2021-11-07. Review status: criteria provided, single submitter. Criteria: ACMG Guidelines, 2015. Collection method: clinical testing. Allele origin: germline. Affected: no.

Sema4
Classification: Likely benign for Hereditary cancer-predisposing syndrome. Last evaluated: 2021-06-27. Review status: criteria provided, single submitter. Criteria: Sema4 Curation Guidelines. Collection method: curation. Allele origin: germline.

Ambry Genetics
Classification: Likely benign for Hereditary cancer-predisposing syndrome. Last evaluated: 2020-03-28. Review status: criteria provided, single submitter. Criteria: Ambry Variant Classification Scheme 2023. Collection method: clinical testing. Allele origin: germline.

Illumina Laboratory Services, Illumina
Classification: Likely benign for Isolated focal cortical dysplasia type II. Last evaluated: 2018-01-13. Review status: criteria provided, single submitter. Criteria: ICSL Variant Classification Criteria 13 December 2019. Collection method: clinical testing. Allele origin: germline.
Comment: This variant was observed in the ICSL laboratory as part of a predisposition screen in an ostensibly healthy population. It had not been previously curated by ICSL or reported in the Human Gene Mutation Database (HGMD: prior to June 1st, 2018), and was therefore a candidate for classification through an automated scoring system. Utilizing variant allele frequency, disease prevalence and penetrance estimates, and inheritance mode, an automated score was calculated to assess if this variant is too frequent to cause the disease. Based on the score and internal cut-off values, a variant classified as likely benign is not then subjected to further curation. The score for this variant resulted in a classification of likely benign for this disease.

Illumina Laboratory Services, Illumina
Classification: Uncertain significance for Tuberous sclerosis 1. Last evaluated: 2018-01-13. Review status: criteria provided, single submitter. Criteria: ICSL Variant Classification Criteria 13 December 2019. Collection method: clinical testing. Allele origin: germline.

NM_000368.5(TSC1):c.168G>A (p.Pro56=)

Gene: TSC1 (TSC complex subunit 1; minus strand). Cytogenetic location: 9q34.13.
Variant type: single nucleotide variant.
Coding change: c.168G>A on transcript NM_000368.5 (MANE Select); coding-DNA position 168, G replaced by A.
Protein change: p.Pro56=; no amino-acid change (proline 56 retained).
Molecular consequence: synonymous variant. On other transcripts: intron variant (1).
Genome position (GRCh38, 1-based): chr9:132,927,243, C>T on the plus strand (G>A on the coding strand, the complement: TSC1 is on the minus strand). VCF-style: chr9-132927243-C-T. GRCh37 (hg19) VCF-style: chr9-135802630-C-T.
Other names: c.168G>A, p.Pro56= (NM_001162426.2, NM_001162427.2); c.-153-1504G>A (NM_001362177.2).
Identifiers: ClinVar variation 466038 (VCV000466038.24), dbSNP rs781483110, ClinGen allele CA029422.